The following is an entry in ClinVar:

ClinVar aggregate classification (germline): Uncertain significance (1 of 4 stars; one submission).

Conditions:
Fanconi anemia (FA). Also called: Fanconi's anemia. Identifiers: Orphanet 84, MedGen C0015625, MeSH D005199, MONDO:0019391.

Submission:

Labcorp Genetics (formerly Invitae), Labcorp
Classification: Uncertain significance for Fanconi anemia. Last evaluated: 2023-09-19. Review status: criteria provided, single submitter. Criteria: Invitae Variant Classification Sherloc (09022015). Collection method: clinical testing. Allele origin: germline.
Comment: This sequence change replaces threonine, which is neutral and polar, with isoleucine, which is neutral and non-polar, at codon 318 of the FANCL protein (p.Thr318Ile). This variant is not present in population databases (gnomAD no frequency). This variant has not been reported in the literature in individuals affected with FANCL-related conditions. Advanced modeling of protein sequence and biophysical properties (such as structural, functional, and spatial information, amino acid conservation, physicochemical variation, residue mobility, and thermodynamic stability) performed at Invitae indicates that this missense variant is not expected to disrupt FANCL protein function. In summary, the available evidence is currently insufficient to determine the role of this variant in disease. Therefore, it has been classified as a Variant of Uncertain Significance.

NM_018062.4(FANCL):c.953C>T (p.Thr318Ile)

Gene: FANCL (FA complementation group L; minus strand). Cytogenetic location: 2p16.1.
Variant type: single nucleotide variant.
Coding change: c.953C>T on transcript NM_018062.4 (MANE Select); coding-DNA position 953, C replaced by T.
Protein change: p.Thr318Ile; replaces threonine 318 with isoleucine.
Molecular consequence: missense variant.
Genome position (GRCh38, 1-based): chr2:58,161,589, G>A on the plus strand (C>T on the coding strand, the complement: FANCL is on the minus strand). VCF-style: chr2-58161589-G-A. GRCh37 (hg19) VCF-style: chr2-58388724-G-A.
Other names: c.968C>T, p.Thr323Ile (NM_001114636.2); c.998C>T, p.Thr333Ile (NM_001374615.1); c.1013C>T, p.Thr338Ile (NM_001410792.1); short protein forms T318I, T338I, T333I, T323I.
Identifiers: ClinVar variation 2761777 (VCV002761777.3), dbSNP rs1471738686, ClinGen allele CA346933018.